The following is an entry in ClinVar:

ClinVar aggregate classification (germline): Benign. Review status: criteria provided, single submitter (1 of 4 stars). 5 submissions from 1 submitter: Benign (5). Last evaluated 2018-01-13.

Conditions:
Sulfate transporter-related osteochondrodysplasia. Also called: DTDST-related dysplasias. Identifiers: MedGen CN120497. Disease mechanism: loss of function.
Achondrogenesis, type IB (ACG1B). Also called: Achondrogenesis Type 1B. Identifiers: Orphanet 932, Orphanet 93298, MedGen C0265274, MONDO:0010966, OMIM 600972.
Atelosteogenesis type II (AO2). Also called: NEONATAL OSSEOUS DYSPLASIA I; Neonatal osseous dysplasia 1; SLC26A2-Related Atelosteogenesis. Identifiers: Orphanet 56304, MedGen C1850554, MONDO:0009727, OMIM 256050.
Multiple epiphyseal dysplasia type 4 (EDM4). Also called: MULTIPLE EPIPHYSEAL DYSPLASIA WITH BILAYERED PATELLAE; MULTIPLE EPIPHYSEAL DYSPLASIA WITH CLUBFOOT; MULTIPLE EPIPHYSEAL DYSPLASIA, AUTOSOMAL RECESSIVE; SLC26A2-Related Multiple Epiphyseal Dysplasia; Multiple Epiphyseal Dysplasia, Recessive. Identifiers: Orphanet 93307, MedGen C1847593, MONDO:0009189, OMIM 226900.
Diastrophic dysplasia (DTD). Also called: Diastrophic dwarfism. Identifiers: Orphanet 628, MedGen C0220726, MONDO:0009107, OMIM 222600.

Allele frequency attached by ClinVar (database versions not stated): 1000 Genomes Project 0.13578; 1000 Genomes Project 30x 0.13944; gnomAD 0.14477; TOPMed 0.16302.

Submissions (5):

Illumina Laboratory Services, Illumina
Classification: Benign for Achondrogenesis, type IB. Last evaluated: 2018-01-13. Review status: criteria provided, single submitter. Criteria: ICSL Variant Classification Criteria 13 December 2019. Collection method: clinical testing. Allele origin: germline.
Comment: This variant was observed in the ICSL laboratory as part of a predisposition screen in an ostensibly healthy population. It had not been previously curated by ICSL or reported in the Human Gene Mutation Database (HGMD: prior to June 1st, 2018), and was therefore a candidate for classification through an automated scoring system. Utilizing variant allele frequency, disease prevalence and penetrance estimates, and inheritance mode, an automated score was calculated to assess if this variant is too frequent to cause the disease. Based on the score and internal cut-off values, a variant classified as benign is not then subjected to further curation. The score for this variant resulted in a classification of benign for this disease.

Illumina Laboratory Services, Illumina
Classification: Benign for Multiple epiphyseal dysplasia type 4. Last evaluated: 2018-01-13. Review status: criteria provided, single submitter. Criteria: ICSL Variant Classification Criteria 13 December 2019. Collection method: clinical testing. Allele origin: germline.
Comment: the same text as in the submission from Illumina Laboratory Services, Illumina above.

Illumina Laboratory Services, Illumina
Classification: Benign for Osteochondrodysplasia. Last evaluated: 2018-01-13. Review status: criteria provided, single submitter. Criteria: ICSL Variant Classification Criteria 13 December 2019. Collection method: clinical testing. Allele origin: germline.
Comment: the same text as in the submission from Illumina Laboratory Services, Illumina above.

Illumina Laboratory Services, Illumina
Classification: Benign for Diastrophic dysplasia. Last evaluated: 2018-01-13. Review status: criteria provided, single submitter. Criteria: ICSL Variant Classification Criteria 13 December 2019. Collection method: clinical testing. Allele origin: germline.
Comment: the same text as in the submission from Illumina Laboratory Services, Illumina above.

Illumina Laboratory Services, Illumina
Classification: Benign for Atelosteogenesis type II. Last evaluated: 2018-01-13. Review status: criteria provided, single submitter. Criteria: ICSL Variant Classification Criteria 13 December 2019. Collection method: clinical testing. Allele origin: germline.
Comment: the same text as in the submission from Illumina Laboratory Services, Illumina above.

NM_000112.4(SLC26A2):c.*5338T>C

Gene: SLC26A2 (solute carrier family 26 member 2; plus strand). Cytogenetic location: 5q32.
Variant type: single nucleotide variant.
Coding change: c.*5338T>C on transcript NM_000112.4 (MANE Select); 5338 bases downstream of the stop codon, T replaced by C.
Molecular consequence: 3 prime UTR variant.
Genome position (GRCh38, 1-based): chr5:149,987,151, T>C. VCF-style: chr5-149987151-T-C. GRCh37 (hg19) VCF-style: chr5-149366714-T-C.
Identifiers: ClinVar variation 352096 (VCV000352096.5), dbSNP rs17711997, ClinGen allele CA10623642.
Genomic context (GRCh38, chr5:149,987,151, plus strand): 5'-TACTGCCTGTTTTTTCTTTAATTATTCAAGGTTGATGACTTTTAGGAACATGTTTTATAC[T>C]GTATTTTTTAATTAAAGCAAGTGCCTTGATGTAATTCCATGTAAATCATTGCTTAACCCT-3'